The following is an entry in ClinVar:

NM_003184.4(TAF2):c.466A>G (p.Lys156Glu)

Gene: TAF2 (TATA-box binding protein associated factor 2; minus strand). Cytogenetic location: 8q24.12.
Variant type: single nucleotide variant.
Coding change: c.466A>G on transcript NM_003184.4 (MANE Select); coding-DNA position 466, A replaced by G.
Protein change: p.Lys156Glu; replaces lysine 156 with glutamic acid.
Molecular consequence: missense variant.
Genome position (GRCh38, 1-based): chr8:119,803,972, T>C on the plus strand (A>G on the coding strand, the complement: TAF2 is on the minus strand). VCF-style: chr8-119803972-T-C. GRCh37 (hg19) VCF-style: chr8-120816212-T-C.
Other names: short protein forms K156E.
Identifiers: ClinVar variation 1336185 (VCV001336185.11), dbSNP rs201478549, ClinGen allele CA4857549.

ClinVar aggregate classification (germline): Uncertain significance. Review status: criteria provided, multiple submitters, no conflicts (2 of 4 stars). 4 submissions from 4 submitters: Uncertain significance (4). Last evaluated 2024-01-02.

Conditions:
Microcephaly-thin corpus callosum-intellectual disability syndrome (NEDFCF). Also called: NEURODEVELOPMENTAL DISORDER WITH FEEDING DIFFICULTIES, THIN CORPUS CALLOSUM, AND FOOT DEFORMITY; Intellectual developmental disorder, autosomal recessive 40. Identifiers: Orphanet 397951, MedGen C3810080, MONDO:0014273, OMIM 615599.

Allele frequency attached by ClinVar (database versions not stated): gnomAD exomes 0.00025 and 0.00024; TOPMed 0.00017; gnomAD 0.00027 and 0.00029; 1000 Genomes Project 0.00040; ESP Exome Variant Server 0.00015; 1000 Genomes Project 30x 0.00062; ExAC 0.00026.
gnomAD v4.1: 400 of 1,614,132 alleles (0.025%); highest among the groups gnomAD compares: Middle Eastern, 0.12%; 2 homozygotes.

Submissions (4):

Labcorp Genetics (formerly Invitae), Labcorp
Classification: Uncertain significance. Last evaluated: 2024-01-02. Review status: criteria provided, single submitter. Criteria: Invitae Variant Classification Sherloc (09022015). Collection method: clinical testing. Allele origin: germline.
Comment: This sequence change replaces lysine, which is basic and polar, with glutamic acid, which is acidic and polar, at codon 156 of the TAF2 protein (p.Lys156Glu). This variant is present in population databases (rs201478549, gnomAD 0.09%). This variant has not been reported in the literature in individuals affected with TAF2-related conditions. ClinVar contains an entry for this variant (Variation ID: 1336185). Advanced modeling of protein sequence and biophysical properties (such as structural, functional, and spatial information, amino acid conservation, physicochemical variation, residue mobility, and thermodynamic stability) performed at Invitae indicates that this missense variant is not expected to disrupt TAF2 protein function with a negative predictive value of 80%. In summary, the available evidence is currently insufficient to determine the role of this variant in disease. Therefore, it has been classified as a Variant of Uncertain Significance.

Genetic Services Laboratory, University of Chicago
Classification: Uncertain significance. Last evaluated: 2017-08-25. Review status: criteria provided, single submitter. Criteria: ACMG Guidelines, 2015. Collection method: clinical testing. Allele origin: germline. Affected: no.

Breakthrough Genomics
Classification: Uncertain significance. Review status: criteria provided, single submitter. Criteria: ACMG Guidelines, 2015. Collection method: not provided. Allele origin: germline. Inheritance: Autosomal recessive inheritance. Affected: yes.

Institute of Human Genetics, University Hospital of Duesseldorf
Classification: Uncertain significance for Microcephaly-thin corpus callosum-intellectual disability syndrome. Review status: criteria provided, single submitter. Criteria: ACMG Guidelines, 2015. Collection method: not provided. Allele origin: germline. Inheritance: X-linked recessive inheritance. Affected: yes.